The following is an entry in ClinVar:

ClinVar aggregate classification (germline): Pathogenic/Likely pathogenic. Review status: criteria provided, multiple submitters, no conflicts (2 of 4 stars). 2 submissions from 2 submitters: Pathogenic (1); Likely pathogenic (1). Last evaluated 2020-11-16.

Conditions:
Pigmentary pallidal degeneration (NBIA1). Also called: PKAN NEUROAXONAL DYSTROPHY, JUVENILE-ONSET; HARP SYNDROME; Pantothenate Kinase-Associated Neurodegeneration; Neuroaxonal dystrophy, late infantile; Hallervorden-Spatz disease; Neurodegeneration with brain iron accumulation 1. Identifiers: Orphanet 157850, MedGen C0018523, MONDO:0009319, OMIM 234200.

Submissions (2):

Women's Health and Genetics/Laboratory Corporation of America, LabCorp
Classification: Likely pathogenic for Pigmentary pallidal degeneration. Last evaluated: 2020-11-16. Review status: criteria provided, single submitter. Criteria: LabCorp Variant Classification Summary - May 2015. Collection method: clinical testing. Allele origin: germline.
Comment: Variant summary: PANK2 c.1250_1251dupCT (p.Phe418LeufsX33) results in a premature termination codon, predicted to cause a truncation of the encoded protein or absence of the protein due to nonsense mediated decay, which are commonly known mechanisms for disease. Truncations downstream of this position have been reported in patients affected with Pantothenate Kinase-Associated Neurodegeneration (HGMD). The variant was absent in 251444 control chromosomes (gnomAD). To our knowledge, no occurrence of c.1250_1251dupCT in individuals affected with Pantothenate Kinase-Associated Neurodegeneration and no experimental evidence demonstrating its impact on protein function have been reported. One clinical diagnostic laboratory has submitted clinical-significance assessments for this variant to ClinVar after 2014, and classified the variant as pathogenic. Based on the evidence outlined above, the variant was classified as likely pathogenic.

Labcorp Genetics (formerly Invitae), Labcorp
Classification: Pathogenic for Pigmentary pallidal degeneration. Last evaluated: 2017-12-27. Review status: criteria provided, single submitter. Criteria: Invitae Variant Classification Sherloc (09022015). Collection method: clinical testing. Allele origin: germline.
Comment: For these reasons, this variant has been classified as Pathogenic. Loss-of-function variants in PANK2 are known to be pathogenic (PMID: 11479594, 12510040). This variant has not been reported in the literature in individuals with PANK2-related disease. This variant is not present in population databases (ExAC no frequency). This sequence change creates a premature translational stop signal (p.Phe418Leufs*33) in the PANK2 gene. It is expected to result in an absent or disrupted protein product.

Literature cited by the submitters: PubMed 11479594 (cited by Labcorp Genetics (formerly Invitae), Labcorp); PubMed 12510040 (cited by Labcorp Genetics (formerly Invitae), Labcorp).

NM_001386393.1(PANK2):c.920_921dup (p.Phe308fs)

Gene: PANK2 (pantothenate kinase 2; plus strand). Cytogenetic location: 20p13.
Variant type: Duplication.
Coding change: c.920_921dup on transcript NM_001386393.1 (MANE Select); coding-DNA positions 920 to 921, 2 bases duplicated (CT; older notation c.920_921dupCT).
Protein change: p.Phe308fs; shifts the reading frame from phenylalanine 308.
Molecular consequence: frameshift variant. On other transcripts: 5 prime UTR variant (1), non-coding transcript variant (1).
Genome position (GRCh38, 1-based): chr20:3,912,472-3,912,473, CT duplicated. VCF-style (leftmost placement, unchanged base first): chr20-3912471-A-ACT. GRCh37 (hg19) VCF-style: chr20-3893118-A-ACT.
Other names: c.1250_1251dupCT (NM_153638.2, NM_153638.3); c.377_378dup, p.Phe127fs (NM_001324191.2, NM_024960.6, NM_153640.4); c.-59_-58dup (NM_001324193.2); c.1250_1251dup, p.Phe418fs (NM_153638.4); short protein forms F127fs, F418fs, F308fs.
Identifiers: ClinVar variation 526628 (VCV000526628.7), dbSNP rs1555788619, ClinGen allele CA658799322.